The following is an entry in ClinVar:

ClinVar aggregate classification (germline): Pathogenic (1 of 4 stars; one submission).

Allele frequency attached by ClinVar (database versions not stated): gnomAD exomes below 0.00001; TOPMed below 0.00001.

Submission:

Labcorp Genetics (formerly Invitae), Labcorp
Classification: Pathogenic. Last evaluated: 2020-08-30. Review status: criteria provided, single submitter. Criteria: Invitae Variant Classification Sherloc (09022015). Collection method: clinical testing. Allele origin: germline.
Comment: This variant has not been reported in the literature in individuals with ELP1-related conditions. This sequence change creates a premature translational stop signal (p.Ala1021Serfs*19) in the ELP1 gene. It is expected to result in an absent or disrupted protein product. This variant is not present in population databases (ExAC no frequency). Loss-of-function variants in ELP1 are known to be pathogenic (PMID: 18303054, 24173031). For these reasons, this variant has been classified as Pathogenic.

Literature cited by the submitters: PubMed 18303054; PubMed 24173031.

NM_003640.5(ELP1):c.3060dup (p.Ala1021fs)

Gene: ELP1 (elongator acetyltransferase complex subunit 1; minus strand). Cytogenetic location: 9q31.3.
Variant type: Duplication.
Coding change: c.3060dup on transcript NM_003640.5 (MANE Select); coding-DNA position 3060, one base duplicated (A; older notation c.3060dupA).
Protein change: p.Ala1021fs; shifts the reading frame from alanine 1021.
Molecular consequence: frameshift variant.
Genome position (GRCh38, 1-based): chr9:108,891,303, T duplicated on the plus strand (A on the coding strand, the reverse complement: ELP1 is on the minus strand). VCF-style (leftmost placement, unchanged base first): chr9-108891302-C-CT. GRCh37 (hg19) VCF-style: chr9-111653582-C-CT.
Other names: c.2718dup, p.Ala907fs (NM_001318360.2); c.2013dup, p.Ala672fs (NM_001330749.2); short protein forms A1021fs, A672fs, A907fs.
Identifiers: ClinVar variation 1075871 (VCV001075871.7), dbSNP rs151101843, ClinGen allele CA197530009.